The following is an entry in ClinVar:

ClinVar aggregate classification (germline): Likely pathogenic (1 of 4 stars; one submission).

Conditions:
Hyperekplexia 3 (HKPX3). Also called: HYPEREKPLEXIA 3, AUTOSOMAL RECESSIVE; HYPEREKPLEXIA 3, AUTOSOMAL DOMINANT. Identifiers: Orphanet 3197, MedGen C3553288, MONDO:0013827, OMIM 614618.

Allele frequency attached by ClinVar (database versions not stated): gnomAD 0.00001; TOPMed 0.00001; gnomAD exomes 0.00004.
gnomAD v4.1: 60 of 1,613,916 alleles (0.0037%); highest among the groups gnomAD compares: Non-Finnish European, 0.005%; no homozygotes.

Submission:

Labcorp Genetics (formerly Invitae), Labcorp
Classification: Likely pathogenic for Hyperekplexia 3. Last evaluated: 2026-01-05. Review status: criteria provided, single submitter. Criteria: Invitae Variant Classification Sherloc (09022015). Collection method: clinical testing. Allele origin: germline.
Comment: This sequence change replaces proline, which is neutral and non-polar, with arginine, which is basic and polar, at codon 243 of the SLC6A5 protein (p.Pro243Arg). This variant is not present in population databases (gnomAD no frequency). This missense change has been observed in individual(s) with hyperekplexia (internal data). In at least one individual the data is consistent with being in trans (on the opposite chromosome) from a pathogenic variant. ClinVar contains an entry for this variant (Variation ID: 1931559). Invitae Evidence Modeling of protein sequence and biophysical properties (such as structural, functional, and spatial information, amino acid conservation, physicochemical variation, residue mobility, and thermodynamic stability) indicates that this missense variant is expected to disrupt SLC6A5 protein function with a positive predictive value of 95%. In summary, the currently available evidence indicates that the variant is pathogenic, but additional data are needed to prove that conclusively. Therefore, this variant has been classified as Likely Pathogenic.

NM_004211.5(SLC6A5):c.728C>G (p.Pro243Arg)

Gene: SLC6A5 (solute carrier family 6 member 5; plus strand). Cytogenetic location: 11p15.1.
Variant type: single nucleotide variant.
Coding change: c.728C>G on transcript NM_004211.5 (MANE Select); coding-DNA position 728, C replaced by G.
Protein change: p.Pro243Arg; replaces proline 243 with arginine.
Molecular consequence: missense variant.
Genome position (GRCh38, 1-based): chr11:20,607,055, C>G. VCF-style: chr11-20607055-C-G. GRCh37 (hg19) VCF-style: chr11-20628601-C-G.
Other names: c.26C>G, p.Pro9Arg (NM_001318369.2); short protein forms P243R, P9R.
Identifiers: ClinVar variation 1931559 (VCV001931559.5), dbSNP rs1254431908, ClinGen allele CA379913733.
Genomic context (GRCh38, chr11:20,607,055, plus strand): 5'-TCTCTTTCCAAGGTGCTTTCCTCATCCCTTACCTGATGATGCTGGCTCTGGCTGGATTAC[C>G]CATCTTCTTCTTGGAGGTGTCGCTGGGCCAGTTTGCCAGCCAGGGACCAGTGTCTGTGTG-3'
Protein context (NP_004202.4, residues 233-253): YLMMLALAGL[Pro243Arg]IFFLEVSLGQ